The following is an entry in ClinVar:

NM_020638.3(FGF23):c.586C>G (p.Arg196Gly)

Gene: FGF23 (fibroblast growth factor 23; minus strand). Cytogenetic location: 12p13.32.
Variant type: single nucleotide variant.
Coding change: c.586C>G on transcript NM_020638.3 (MANE Select); coding-DNA position 586, C replaced by G.
Protein change: p.Arg196Gly; replaces arginine 196 with glycine.
Molecular consequence: missense variant.
Genome position (GRCh38, 1-based): chr12:4,370,513, G>C on the plus strand (C>G on the coding strand, the complement: FGF23 is on the minus strand). VCF-style: chr12-4370513-G-C. GRCh37 (hg19) VCF-style: chr12-4479679-G-C.
Other names: short protein forms R196G.
Identifiers: ClinVar variation 2115302 (VCV002115302.4), dbSNP rs2120729648, ClinGen allele CA383415998.

ClinVar aggregate classification (germline): Uncertain significance (1 of 4 stars; one submission).

Submission:

Labcorp Genetics (formerly Invitae), Labcorp
Classification: Uncertain significance. Last evaluated: 2022-08-20. Review status: criteria provided, single submitter. Criteria: Invitae Variant Classification Sherloc (09022015). Collection method: clinical testing. Allele origin: germline.
Comment: This sequence change replaces arginine, which is basic and polar, with glycine, which is neutral and non-polar, at codon 196 of the FGF23 protein (p.Arg196Gly). This variant is not present in population databases (gnomAD no frequency). In summary, the available evidence is currently insufficient to determine the role of this variant in disease. Therefore, it has been classified as a Variant of Uncertain Significance. This variant has not been reported in the literature in individuals affected with FGF23-related conditions. Algorithms developed to predict the effect of missense changes on protein structure and function are either unavailable or do not agree on the potential impact of this missense change (SIFT: "Deleterious"; PolyPhen-2: "Possibly Damaging"; Align-GVGD: "Class C0").